The following is an entry in ClinVar:

ClinVar aggregate classification (germline): Likely benign (1 of 4 stars; one submission).

Allele frequency attached by ClinVar (database versions not stated): 1000 Genomes Project 30x 0.00062; 1000 Genomes Project 0.00080; ExAC 0.00080; gnomAD 0.00093; TOPMed 0.00141; gnomAD exomes 0.00142.
gnomAD v4.1: 2,128 of 1,554,954 alleles (0.14%); highest among the groups gnomAD compares: Admixed American, 0.31%; 4 homozygotes.

Submission:

CeGaT Center for Human Genetics Tuebingen
Classification: Likely benign. Last evaluated: 2025-11-01. Review status: criteria provided, single submitter. Criteria: CeGaT Center For Human Genetics Tuebingen Variant Classification Criteria Version 2. Collection method: clinical testing. Allele origin: germline. Affected: yes. Observed: 2 variant alleles.
Comment: PSMB10: BP4, BS2

NM_002801.4(PSMB10):c.53A>C (p.Gln18Pro)

Gene: PSMB10 (proteasome 20S subunit beta 10; minus strand). Cytogenetic location: 16q22.1.
Variant type: single nucleotide variant.
Coding change: c.53A>C on transcript NM_002801.4 (MANE Select); coding-DNA position 53, A replaced by C.
Protein change: p.Gln18Pro; replaces glutamine 18 with proline.
Molecular consequence: missense variant.
Genome position (GRCh38, 1-based): chr16:67,936,697, T>G on the plus strand (A>C on the coding strand, the complement: PSMB10 is on the minus strand). VCF-style: chr16-67936697-T-G. GRCh37 (hg19) VCF-style: chr16-67970600-T-G.
Other names: short protein forms Q18P.
Identifiers: ClinVar variation 2646646 (VCV002646646.24), dbSNP rs202140443, ClinGen allele CA8120830.